The following is an entry in ClinVar:

ClinVar aggregate classification (germline): Conflicting classifications of pathogenicity. Review status: criteria provided, conflicting classifications (1 of 4 stars). 11 submissions from 11 submitters: Uncertain significance (7); Likely benign (2). 2 of the submissions do not count toward it. Last evaluated 2026-01-26.

Conditions:
VHL-related disorder. Also called: VHL-related condition.
Hereditary cancer-predisposing syndrome. Also called: Tumor predisposition; Hereditary neoplastic syndrome; Neoplastic Syndromes, Hereditary; Hereditary Cancer Syndrome. Identifiers: Orphanet 140162, MedGen C0027672, MeSH D009386, MONDO:0015356.
Chuvash polycythemia. Also called: POLYCYTHEMIA, VHL-DEPENDENT. Identifiers: Orphanet 238557, MedGen C1837915, MONDO:0009892, OMIM 263400.
Von Hippel-Lindau syndrome (VHLS). Also called: Von Hippel-Lindau; von Hippel–Lindau syndrome; VHL syndrome. Identifiers: Orphanet 892, MedGen C0019562, MONDO:0008667, OMIM 193300. Disease mechanism: loss of function.

Allele frequency attached by ClinVar (database versions not stated): TOPMed 0.00004; gnomAD 0.00007 and 0.00008.

Submissions (11):

Labcorp Genetics (formerly Invitae), Labcorp
Classification: Uncertain significance for Von Hippel-Lindau syndrome; Chuvash polycythemia. Last evaluated: 2026-01-26. Review status: criteria provided, single submitter. Criteria: Invitae Variant Classification Sherloc (09022015). Collection method: clinical testing. Allele origin: germline.
Comment: This sequence change replaces aspartic acid, which is acidic and polar, with asparagine, which is neutral and polar, at codon 9 of the VHL protein (p.Asp9Asn). This variant is present in population databases (rs587780730, gnomAD 0.02%). This variant has not been reported in the literature in individuals affected with VHL-related conditions. ClinVar contains an entry for this variant (Variation ID: 135953). Invitae Evidence Modeling of protein sequence and biophysical properties (such as structural, functional, and spatial information, amino acid conservation, physicochemical variation, residue mobility, and thermodynamic stability) indicates that this missense variant is not expected to disrupt VHL protein function with a negative predictive value of 95%. In summary, the available evidence is currently insufficient to determine the role of this variant in disease. Therefore, it has been classified as a Variant of Uncertain Significance.

Myriad Genetics, Inc.
Classification: Likely benign for Von Hippel-Lindau syndrome. Last evaluated: 2024-08-14. Review status: criteria provided, single submitter. Criteria: Myriad Autosomal Dominant, Autosomal Recessive and X-Linked Classification Criteria (2023). Collection method: clinical testing. Allele origin: unknown.
Comment: This variant is considered likely benign. This variant has been observed at a population frequency that is significantly greater than expected given the associated disease prevalence and penetrance.

All of Us Research Program, National Institutes of Health
Classification: Uncertain significance for Von Hippel-Lindau syndrome. Last evaluated: 2024-05-31. Review status: criteria provided, single submitter. Criteria: ACMG Guidelines, 2015. Collection method: clinical testing. Allele origin: germline. Inheritance: Autosomal dominant inheritance. Observed: 10 variant alleles, 10 heterozygotes.
Comment: This missense variant replaces aspartic acid with asparagine at codon 9 of the VHL protein. Computational prediction suggests that this variant may not impact protein structure and function (internally defined REVEL score threshold <= 0.5, PMID: 27666373). To our knowledge, functional studies have not been reported for this variant. This variant has not been reported as a germline variant in individuals affected with VHL-related disorders in the literature. This variant has been identified in 9/172778 chromosomes in the general population by the Genome Aggregation Database (gnomAD). The available evidence is insufficient to determine the role of this variant in disease conclusively. Therefore, this variant is classified as a Variant of Uncertain Significance.

This study involves interpretation of variants in research participants for the purpose of population health screening. Participant phenotype was not available at the time of variant classification. Additional details can be found in publication PMID: 35346344, PMCID: PMC8962531

Color Diagnostics, LLC DBA Color Health
Classification: Uncertain significance for Von Hippel-Lindau syndrome. Last evaluated: 2024-02-08. Review status: criteria provided, single submitter. Criteria: ACMG Guidelines, 2015. Collection method: clinical testing. Allele origin: germline.
Comment: This missense variant replaces aspartic acid with asparagine at codon 9 of the VHL protein. Computational prediction suggests that this variant may not impact protein structure and function. To our knowledge, functional studies have not been reported for this variant. This variant has not been reported as a germline variant in individuals affected with VHL-related disorders in the literature. This variant has been identified in 9/172778 chromosomes in the general population by the Genome Aggregation Database (gnomAD). The available evidence is insufficient to determine the role of this variant in disease conclusively. Therefore, this variant is classified as a Variant of Uncertain Significance.

Quest Diagnostics Nichols Institute San Juan Capistrano
Classification: Uncertain significance. Last evaluated: 2024-02-06. Review status: criteria provided, single submitter. Criteria: Quest Diagnostics criteria. Collection method: clinical testing. Allele origin: unknown.

Baylor Genetics
Classification: Uncertain significance for Chuvash polycythemia. Last evaluated: 2023-08-29. Review status: criteria provided, single submitter. Criteria: ACMG Guidelines, 2015. Collection method: clinical testing. Allele origin: unknown.

Revvity Omics, Revvity
Classification: Uncertain significance. Last evaluated: 2022-06-16. Review status: criteria provided, single submitter. Criteria: ACMG Guidelines, 2015. Collection method: clinical testing. Allele origin: germline.

Ambry Genetics
Classification: Likely benign for Hereditary cancer-predisposing syndrome. Last evaluated: 2021-12-06. Review status: criteria provided, single submitter. Criteria: Ambry Variant Classification Scheme 2023. Collection method: clinical testing. Allele origin: germline.

GeneDx
Classification: Uncertain significance. Last evaluated: 2021-08-25. Review status: criteria provided, single submitter. Criteria: GeneDx Variant Classification Process June 2021. Collection method: clinical testing. Allele origin: germline. Affected: yes.
Comment: In silico analysis supports that this missense variant does not alter protein structure/function; Has not been previously published as germline pathogenic or benign to our knowledge; This variant is associated with the following publications: (PMID: 22825683)

PreventionGenetics, part of Exact Sciences
Classification: Uncertain significance for VHL-related condition. Last evaluated: 2024-07-23. Review status: no assertion criteria provided. Collection method: clinical testing. Allele origin: germline. Not counted in ClinVar's aggregate classification.
Comment: The VHL c.25G>A variant is predicted to result in the amino acid substitution p.Asp9Asn. This variant has been observed in an individual with renal cell carcinoma (Sample ID: R185Tk in Taylor et al. 2012. PubMed ID: 22825683). This variant is reported in 0.018% of alleles in individuals of African descent in gnomAD and has been interpreted as uncertain in ClinVar. At this time, the clinical significance of this variant is uncertain due to the absence of conclusive functional and genetic evidence.

Counsyl
Classification: Uncertain significance for Von Hippel-Lindau syndrome. Last evaluated: 2016-08-05. Review status: no assertion criteria provided. Collection method: clinical testing. Allele origin: unknown. Not counted in ClinVar's aggregate classification.

Literature cited by the submitters: PubMed 35281324 (cited by Quest Diagnostics Nichols Institute San Juan Capistrano); PubMed 22825683 (cited by Quest Diagnostics Nichols Institute San Juan Capistrano); PubMed 33151962 (cited by Ambry Genetics).

NM_000551.4(VHL):c.25G>A (p.Asp9Asn)

Gene: VHL (von Hippel-Lindau tumor suppressor; plus strand). Cytogenetic location: 3p25.3.
Variant type: single nucleotide variant.
Coding change: c.25G>A on transcript NM_000551.4 (MANE Select); coding-DNA position 25, G replaced by A.
Protein change: p.Asp9Asn; replaces aspartic acid 9 with asparagine.
Molecular consequence: missense variant.
Genome position (GRCh38, 1-based): chr3:10,141,872, G>A. VCF-style: chr3-10141872-G-A. GRCh37 (hg19) VCF-style: chr3-10183556-G-A.
Other names: c.25G>A, p.Asp9Asn (NM_001354723.2, NM_198156.3); short protein forms D9N.
Identifiers: ClinVar variation 135953 (VCV000135953.25), dbSNP rs587780730, ClinGen allele CA020190.